The following is an entry in ClinVar:

ClinVar aggregate classification (germline): Uncertain significance. Review status: criteria provided, multiple submitters, no conflicts (2 of 4 stars). 2 submissions from 2 submitters: Uncertain significance (2). Last evaluated 2022-05-17.

Conditions:
Familial adenomatous polyposis 2. Also called: FAP type 2; Adenomas, multiple colorectal; MUTYH-associated polyposis; MUTYH-related attenuated familial adenomatous polyposis; MYH-associated polyposis; COLORECTAL ADENOMATOUS POLYPOSIS, AUTOSOMAL RECESSIVE. Identifiers: Orphanet 220460, Orphanet 247798, MedGen C3272841, MONDO:0012041, OMIM 608456.

Submissions (2):

Labcorp Genetics (formerly Invitae), Labcorp
Classification: Uncertain significance for Familial adenomatous polyposis 2. Last evaluated: 2022-05-17. Review status: criteria provided, single submitter. Criteria: Invitae Variant Classification Sherloc (09022015). Collection method: clinical testing. Allele origin: germline.
Comment: In summary, the available evidence is currently insufficient to determine the role of this variant in disease. Therefore, it has been classified as a Variant of Uncertain Significance. Algorithms developed to predict the effect of missense changes on protein structure and function are either unavailable or do not agree on the potential impact of this missense change (SIFT: "Tolerated"; PolyPhen-2: "Possibly Damaging"; Align-GVGD: "Class C0"). This variant has not been reported in the literature in individuals affected with MUTYH-related conditions. This variant is not present in population databases (gnomAD no frequency). This sequence change replaces leucine, which is neutral and non-polar, with proline, which is neutral and non-polar, at codon 211 of the MUTYH protein (p.Leu211Pro).

Department of Pathology and Laboratory Medicine, Sinai Health System
Classification: Uncertain significance for Familial adenomatous polyposis 2. Last evaluated: 2021-03-11. Review status: criteria provided, single submitter. Criteria: ACMG Guidelines, 2015. Collection method: clinical testing. Allele origin: germline. Affected: yes.

NM_001048174.2(MUTYH):c.548T>C (p.Leu183Pro)

Gene: MUTYH (mutY DNA glycosylase; minus strand). Cytogenetic location: 1p34.1.
Variant type: single nucleotide variant.
Coding change: c.548T>C on transcript NM_001048174.2 (MANE Select); coding-DNA position 548, T replaced by C.
Protein change: p.Leu183Pro; replaces leucine 183 with proline.
Molecular consequence: missense variant. On other transcripts: non-coding transcript variant (2).
Genome position (GRCh38, 1-based): chr1:45,332,632, A>G on the plus strand (T>C on the coding strand, the complement: MUTYH is on the minus strand). VCF-style: chr1-45332632-A-G. GRCh37 (hg19) VCF-style: chr1-45798304-A-G.
Other names: c.548T>C, p.Leu183Pro (NM_001048171.2, NM_001048173.2, NM_001293195.2 and 6 more transcripts); c.551T>C, p.Leu184Pro (NM_001048172.2, NM_001407071.1, NM_001407078.1 and 1 more transcripts); c.632T>C, p.Leu211Pro (NM_001128425.2); c.593T>C, p.Leu198Pro (NM_001293190.2); c.581T>C, p.Leu194Pro (NM_001293191.2, NM_001407069.1, NM_001407077.1); c.272T>C, p.Leu91Pro (NM_001293192.2, NM_001293196.2, NM_001407091.1); c.203T>C, p.Leu68Pro (NM_001350650.2, NM_001350651.2, NM_001407082.1); c.464T>C, p.Leu155Pro (NM_001407075.1); and 5 more; short protein forms L169P, L68P, L170P, L194P, L197P, L198P, L155P, L184P.
Identifiers: ClinVar variation 2131594 (VCV002131594.5), dbSNP rs1645145092, ClinGen allele CA340135361.